The following is an entry in ClinVar:

NM_182943.3(PLOD2):c.805G>A (p.Val269Ile)

Gene: PLOD2 (procollagen-lysine,2-oxoglutarate 5-dioxygenase 2; minus strand). Cytogenetic location: 3q24.
Variant type: single nucleotide variant.
Coding change: c.805G>A on transcript NM_182943.3 (MANE Select); coding-DNA position 805, G replaced by A.
Protein change: p.Val269Ile; replaces valine 269 with isoleucine.
Molecular consequence: missense variant.
Genome position (GRCh38, 1-based): chr3:146,091,874, C>T on the plus strand (G>A on the coding strand, the complement: PLOD2 is on the minus strand). VCF-style: chr3-146091874-C-T. GRCh37 (hg19) VCF-style: chr3-145809661-C-T.
Other names: c.805G>A, p.Val269Ile (NM_000935.3); short protein forms V269I.
Identifiers: ClinVar variation 716447 (VCV000716447.19), dbSNP rs147665692, ClinGen allele CA2655117.

ClinVar aggregate classification (germline): Benign/Likely benign. Review status: criteria provided, multiple submitters, no conflicts (2 of 4 stars). 5 submissions from 5 submitters: Benign (2); Likely benign (2). 1 of the submissions does not count toward it. Last evaluated 2026-02-01.

Conditions:
PLOD2-related disorder. Also called: PLOD2-related condition.
Osteogenesis imperfecta (OI). Identifiers: Orphanet 666, MedGen C0029434, MeSH D010013, MONDO:0019019.
Bruck syndrome 2 (BRKS2). Also called: OSTEOGENESIS IMPERFECTA WITH CONGENITAL JOINT CONTRACTURES. Identifiers: Orphanet 2771, MedGen C1836602, MONDO:0012217, OMIM 609220.

Allele frequency attached by ClinVar (database versions not stated): ESP Exome Variant Server 0.00008; gnomAD 0.00061 and 0.00081; TOPMed 0.00075; ExAC 0.00146; gnomAD exomes 0.00160; 1000 Genomes Project 30x 0.00453; 1000 Genomes Project 0.00499.
gnomAD v4.1: 735 of 1,600,242 alleles (0.046%); highest among the groups gnomAD compares: East Asian, 1.1%; 8 homozygotes.

Submissions (5):

Labcorp Genetics (formerly Invitae), Labcorp
Classification: Benign. Last evaluated: 2026-02-01. Review status: criteria provided, single submitter. Criteria: Invitae Variant Classification Sherloc (09022015). Collection method: clinical testing. Allele origin: germline.

GeneDx
Classification: Likely benign. Last evaluated: 2021-02-23. Review status: criteria provided, single submitter. Criteria: GeneDx Variant Classification Process June 2021. Collection method: clinical testing. Allele origin: germline. Affected: yes.

Genome Diagnostics Laboratory, The Hospital for Sick Children
Classification: Likely benign for Osteogenesis imperfecta. Last evaluated: 2019-12-01. Review status: criteria provided, single submitter. Criteria: ACMG Guidelines, 2015. Collection method: clinical testing. Allele origin: germline.

Illumina Laboratory Services, Illumina
Classification: Benign for Bruck syndrome 2. Last evaluated: 2018-01-12. Review status: criteria provided, single submitter. Criteria: ICSL Variant Classification Criteria 13 December 2019. Collection method: clinical testing. Allele origin: germline.
Comment: This variant was observed in the ICSL laboratory as part of a predisposition screen in an ostensibly healthy population. It had not been previously curated by ICSL or reported in the Human Gene Mutation Database (HGMD: prior to June 1st, 2018), and was therefore a candidate for classification through an automated scoring system. Utilizing variant allele frequency, disease prevalence and penetrance estimates, and inheritance mode, an automated score was calculated to assess if this variant is too frequent to cause the disease. Based on the score and internal cut-off values, a variant classified as benign is not then subjected to further curation. The score for this variant resulted in a classification of benign for this disease.

PreventionGenetics, part of Exact Sciences
Classification: Benign for PLOD2-related condition. Last evaluated: 2019-07-18. Review status: no assertion criteria provided. Collection method: clinical testing. Allele origin: germline. Not counted in ClinVar's aggregate classification.
Comment: This variant is classified as benign based on ACMG/AMP sequence variant interpretation guidelines (Richards et al. 2015 PMID: 25741868, with internal and published modifications).